The following is an entry in ClinVar:

NM_000059.4(BRCA2):c.3004A>G (p.Asn1002Asp)

Gene: BRCA2 (BRCA2 DNA repair associated; plus strand). Cytogenetic location: 13q13.1.
Variant type: single nucleotide variant.
Coding change: c.3004A>G on transcript NM_000059.4 (MANE Select); coding-DNA position 3004, A replaced by G.
Protein change: p.Asn1002Asp; replaces asparagine 1002 with aspartic acid.
Molecular consequence: missense variant.
Genome position (GRCh38, 1-based): chr13:32,337,359, A>G. VCF-style: chr13-32337359-A-G. GRCh37 (hg19) VCF-style: chr13-32911496-A-G.
Other names: c.3004A>G (NM_000059.3); short protein forms N1002D.
Identifiers: ClinVar variation 1039670 (VCV001039670.17), dbSNP rs780365246, ClinGen allele CA6940654.

ClinVar aggregate classification (germline): Conflicting classifications of pathogenicity. Review status: criteria provided, conflicting classifications (1 of 4 stars). 5 submissions from 5 submitters: Uncertain significance (4); Likely benign (1). Last evaluated 2025-11-16.

Conditions:
Hereditary cancer-predisposing syndrome. Also called: Neoplastic Syndromes, Hereditary; Hereditary Cancer Syndrome; Tumor predisposition; Hereditary neoplastic syndrome. Identifiers: Orphanet 140162, MedGen C0027672, MeSH D009386, MONDO:0015356.
Hereditary breast ovarian cancer syndrome. Also called: Hereditary breast and ovarian cancer syndrome; Hereditary breast and ovarian cancer syndrome (HBOC); BRCA1- and BRCA2-Associated Hereditary Breast and Ovarian Cancer; Hereditary breast and ovarian cancer; Hereditary breast and/or ovarian cancer syndrome; Breast and ovarian cancer. Identifiers: Orphanet 145, MedGen C0677776, MeSH D061325, MONDO:0003582. Disease mechanism: loss of function.

Allele frequency attached by ClinVar (database versions not stated): gnomAD exomes 0.00001; ExAC 0.00002.
gnomAD v4.1: 3 of 1,613,878 alleles (0.00019%); highest among the groups gnomAD compares: Admixed American, 0.0033%; no homozygotes.

Submissions (5):

Labcorp Genetics (formerly Invitae), Labcorp
Classification: Uncertain significance for Hereditary breast ovarian cancer syndrome. Last evaluated: 2025-11-16. Review status: criteria provided, single submitter. Criteria: Invitae Variant Classification Sherloc (09022015). Collection method: clinical testing. Allele origin: germline.
Comment: This sequence change replaces asparagine, which is neutral and polar, with aspartic acid, which is acidic and polar, at codon 1002 of the BRCA2 protein (p.Asn1002Asp). This variant is present in population databases (rs780365246, gnomAD 0.01%). This missense change has been observed in individual(s) with clinical features of BRCA2-related conditions (PMID: 20858050). ClinVar contains an entry for this variant (Variation ID: 1039670). Invitae Evidence Modeling of protein sequence and biophysical properties (such as structural, functional, and spatial information, amino acid conservation, physicochemical variation, residue mobility, and thermodynamic stability) indicates that this missense variant is not expected to disrupt BRCA2 protein function with a negative predictive value of 95%. In summary, the available evidence is currently insufficient to determine the role of this variant in disease. Therefore, it has been classified as a Variant of Uncertain Significance.

GeneDx
Classification: Uncertain significance. Last evaluated: 2025-08-01. Review status: criteria provided, single submitter. Criteria: GeneDx Variant Classification Process June 2021. Collection method: clinical testing. Allele origin: germline. Affected: yes.
Comment: Not observed at significant frequency in large population cohorts (gnomAD); In silico analysis supports that this missense variant has a deleterious effect on protein structure/function; Has not been previously published as pathogenic or benign to our knowledge; Also known as 3232A>G

Ambry Genetics
Classification: Uncertain significance for Hereditary cancer-predisposing syndrome. Last evaluated: 2024-08-05. Review status: criteria provided, single submitter. Criteria: Ambry Variant Classification Scheme 2023. Collection method: clinical testing. Allele origin: germline.
Comment: The p.N1002D variant (also known as c.3004A>G), located in coding exon 10 of the BRCA2 gene, results from an A to G substitution at nucleotide position 3004. The asparagine at codon 1002 is replaced by aspartic acid, an amino acid with highly similar properties. This amino acid position is not well conserved in available vertebrate species. In addition, this alteration is predicted to be tolerated by in silico analysis. Based on the available evidence, the clinical significance of this variant remains unclear.

Quest Diagnostics Nichols Institute San Juan Capistrano
Classification: Uncertain significance. Last evaluated: 2024-03-20. Review status: criteria provided, single submitter. Criteria: Quest Diagnostics criteria. Collection method: clinical testing. Allele origin: unknown.
Comment: The BRCA2 c.3004A>G (p.Asn1002Asp) variant has not been reported in individuals with BRCA2-related conditions in the published literature. The frequency of this variant in the general population, 0.000099 (1/10064 chromosomes (Genome Aggregation Database)), is uninformative in the assessment of its pathogenicity. Analysis of this variant using bioinformatics tools for the prediction of the effect of amino acid changes on protein structure and function yielded predictions that this variant is benign. Based on the available information, we are unable to determine the clinical significance of this variant.

University of Washington Department of Laboratory Medicine, University of Washington
Classification: Likely benign for Hereditary cancer-predisposing syndrome. Last evaluated: 2023-03-23. Review status: criteria provided, single submitter. Criteria: Dines et al. (Genet Med. 2020). Collection method: curation. Allele origin: germline.
Comment: Missense variant in a coldspot region where missense variants are very unlikely to be pathogenic (PMID:31911673).

BRCA2 exon 11 coldspot. Reclassification based on statistical prior probability.

Literature cited by the submitters: PubMed 20858050 (cited by Labcorp Genetics (formerly Invitae), Labcorp and Quest Diagnostics Nichols Institute San Juan Capistrano); PubMed 30630528 (cited by Quest Diagnostics Nichols Institute San Juan Capistrano).